The following is an entry in ClinVar:

NM_001378454.1(ALMS1):c.12128T>G (p.Phe4043Cys)

Genes: ALMS1 (ALMS1 centrosome and basal body associated protein; plus strand), LOC126806252 (BRD4-independent group 4 enhancer GRCh37_chr2:73828496-73829695; plus strand). Cytogenetic location: 2p13.1.
Variant type: single nucleotide variant.
Coding change: c.12128T>G on transcript NM_001378454.1 (MANE Select); coding-DNA position 12128, T replaced by G.
Protein change: p.Phe4043Cys; replaces phenylalanine 4043 with cysteine.
Molecular consequence: missense variant.
Genome position (GRCh38, 1-based): chr2:73,602,198, T>G. VCF-style: chr2-73602198-T-G. GRCh37 (hg19) VCF-style: chr2-73829325-T-G.
Other names: c.12131T>G, p.Phe4044Cys (NM_015120.4); short protein forms F4043C, F4044C.
Identifiers: ClinVar variation 3226584 (VCV003226584.1), dbSNP rs1675709035, ClinGen allele CA347267688.

ClinVar aggregate classification (germline): Uncertain significance (1 of 4 stars; one submission).

Conditions:
Cardiovascular phenotype. Identifiers: MedGen CN230736.

Allele frequency attached by ClinVar (database versions not stated): TOPMed below 0.00001; gnomAD 0.00001.

Submission:

Ambry Genetics
Classification: Uncertain significance for Cardiovascular phenotype. Last evaluated: 2024-01-03. Review status: criteria provided, single submitter. Criteria: Ambry Variant Classification Scheme 2023. Collection method: clinical testing. Allele origin: germline.
Comment: The p.F4044C variant (also known as c.12131T>G), located in coding exon 20 of the ALMS1 gene, results from a T to G substitution at nucleotide position 12131. The phenylalanine at codon 4044 is replaced by cysteine, an amino acid with highly dissimilar properties. This amino acid position is poorly conserved in available vertebrate species. In addition, this alteration is predicted to be deleterious by in silico analysis. Since supporting evidence is limited at this time, the clinical significance of this alteration remains unclear.